The following continues an entry in ClinVar:

NM_000540.3(RYR1):c.8026C>T (p.Arg2676Trp)

Gene: RYR1. ClinVar aggregate classification (germline): Likely pathogenic. Likely pathogenic (1).

Submissions 7 to 13 of 13:

New York Genome Center
Classification: Likely pathogenic for Malignant hyperthermia, susceptibility to, 1. Last evaluated: 2024-03-13. Review status: criteria provided, single submitter. Criteria: NYGC Assertion Criteria 2020. Collection method: clinical testing. Allele origin: inherited. Observed: 1 variant allele, 1 heterozygote. Not counted in ClinVar's aggregate classification.
Comment: The inherited heterozygous c.8026C>T p.(Arg2676Trp) variant identified in the RYR1 gene substitutes an evolutionarily conserved arginine residue for tryptophan in exon 50 of this 106-exon gene. This variant is associated with pharmacogenetic risk to malignant hyperthermia (MHS) in response to certain anesthetic agents and has been deposited in ClinVar as Likely Pathogenic by multiple submitters including the Malignant Hyperthermia Susceptibility Variant Curation Expert Panel [Variation ID: 133217]. The c.8026C>T variant is observed in 6 alleles (minor allele frequency 3.7x10-5 with 0 homozygotes) in the gnomAD v4.0.0 population database, suggesting it is not a common benign variant in the populations represented in those databases. This frequency is consistent with the frequency expected for pathogenic variants associated with MHS when considering that MHS has an estimated incidence of 1/30,000 children or 1/100,000 adults [PMID: 28613578]. In silico predictions are inconclusive of the p.(Arg2676Trp) substitution [(CADD v1.6 24.4 value, REVEL = 0.601)]; however, there are no functional studies to support or refute these predictions. The c.8026C>T variant has previously been reported in multiple unrelated families with MHS functionally confirmed by an in vitro contracture test performed on a muscle biopsy [PMID:19191329, 25960145, 30236257]. This variant was also observed in a multigenerational family co-segregating in individuals with MHS or positive in vitro test in 21 individuals [PMID: 14732627]. Based on available evidence, this heterozygous inherited c.8026C>T p.(Arg2676Trp) variant identified in the RYR1 gene is classified here as Likely Pathogenic.

All of Us Research Program, National Institutes of Health
Classification: Likely pathogenic for Malignant hyperthermia, susceptibility to, 1. Last evaluated: 2024-02-07. Review status: criteria provided, single submitter. Criteria: ACMG Guidelines, 2015. Collection method: clinical testing. Allele origin: germline. Inheritance: Autosomal dominant inheritance. Observed: 1 variant allele, 1 heterozygote. Not counted in ClinVar's aggregate classification.
Comment: The c.8026C>T (p.Arg2676Trp) variant of the RYR1 gene replaces arginine with tryptophan at codon 2676 of the RYR1 protein. This variant has been reported in six unrelated individuals who have a personal or family history of a malignant hyperthermia reaction, a positive in vitro contracture test (IVCT) or caffeine halothane contracture test (CHCT) results (PMID:14732627, 30236257, 16163667, 19191329, 25960145, 21157159). This variant has been identified in an unaffected individual (PMID: 21157159). This variant has been shown to segregate with malignant hyperthermia syndrome (MHS) in more than 10 individuals (PMID: 30236257, 25960145, 14732627). No functional study was identified for this variant. This variant does not reside in a hotspot for pathogenic variants that contribute to MHS. Computational prediction suggests that this variant may not have deleterious impact on protein structure and function (REVEL score 0.601). Therefore, this c.8026C>T (p.Arg2676Trp) variant of the RYR1 gene is classified as likely pathogenic.

This study involves interpretation of variants in research participants for the purpose of population health screening. Participant phenotype was not available at the time of variant classification. Additional details can be found in publication PMID: 35346344, PMCID: PMC8962531

Blueprint Genetics
Classification: Pathogenic for RYR1-related disorders. Last evaluated: 2023-11-28. Review status: criteria provided, single submitter. Criteria: ACMG Guidelines, 2015. Collection method: clinical testing. Allele origin: germline. Affected: yes. Observed: 3 variant alleles. Not counted in ClinVar's aggregate classification.

MGZ Medical Genetics Center
Classification: Likely pathogenic for Malignant hyperthermia, susceptibility to, 1. Last evaluated: 2022-01-20. Review status: criteria provided, single submitter. Criteria: ACMG Guidelines, 2015. Collection method: clinical testing. Allele origin: germline. Affected: yes. Observed: 1 variant allele. Not counted in ClinVar's aggregate classification.
Comment: ACMG criteria applied: PP1_STR, PS4_MOD

CeGaT Center for Human Genetics Tuebingen
Classification: Uncertain significance. Last evaluated: 2020-08-01. Review status: criteria provided, single submitter. Criteria: CeGaT Center For Human Genetics Tuebingen Variant Classification Criteria Version 2. Collection method: clinical testing. Allele origin: germline. Affected: yes. Observed: 2 variant alleles. Not counted in ClinVar's aggregate classification.

RYR1 database
No classification provided. Review status: no classification provided. Collection method: not provided. Allele origin: unknown. Not counted in ClinVar's aggregate classification.

Genetic Services Laboratory, University of Chicago
Classification: Uncertain significance. Last evaluated: 2013-12-02. Review status: flagged submission. Criteria: ACMG Guidelines, 2007. Collection method: clinical testing. Allele origin: germline. Inheritance: Autosomal unknown. Not counted in ClinVar's aggregate classification.
ClinVar note: Reason: Conflicts with expert reviewed submission without evidence to support different classification

Literature cited by the submitters: PubMed 30325262 (cited by Women's Health and Genetics/Laboratory Corporation of America, LabCorp); PubMed 14732627 (cited by 5 submitters); PubMed 30236257 (cited by 4 submitters); PubMed 16163667 (cited by 3 submitters); PubMed 19191329 (cited by 5 submitters); PubMed 25960145 (cited by 5 submitters); PubMed 21157159 (cited by 3 submitters).